The following is an entry in ClinVar:

ClinVar aggregate classification (germline): Pathogenic/Likely pathogenic. Review status: criteria provided, multiple submitters, no conflicts (2 of 4 stars). 2 submissions from 2 submitters: Pathogenic (1); Likely pathogenic (1). Last evaluated 2022-03-16.

Submissions (2):

GeneDx
Classification: Likely pathogenic. Last evaluated: 2022-03-16. Review status: criteria provided, single submitter. Criteria: GeneDx Variant Classification Process June 2021. Collection method: clinical testing. Allele origin: germline. Affected: yes.
Comment: Nonsense variant in the C-terminus predicted to result in protein truncation, as the last 60 amino acids are lost, and other loss-of-function variants have been reported downstream in HGMD; Not observed at significant frequency in large population cohorts (gnomAD); Has not been previously reported in peer-reviewed literature as pathogenic or benign to our knowledge. However, in an abstract by da Palma et al. (2021), G576* was reported in a patient with late-onset nonsyndromic pericentral retinopathy; This variant is associated with the following publications: (PMID: da_Palma_2021_Abstract)

CeGaT Center for Human Genetics Tuebingen
Classification: Pathogenic. Last evaluated: 2019-06-01. Review status: criteria provided, single submitter. Criteria: CeGaT Center For Human Genetics Tuebingen Variant Classification Criteria Version 2. Collection method: clinical testing. Allele origin: germline. Affected: yes. Observed: 2 variant alleles.

NM_152419.3(HGSNAT):c.1726G>T (p.Gly576Ter)

Gene: HGSNAT (heparan-alpha-glucosaminide N-acetyltransferase; plus strand). Cytogenetic location: 8p11.21.
Variant type: single nucleotide variant.
Coding change: c.1726G>T on transcript NM_152419.3 (MANE Select); coding-DNA position 1726, G replaced by T.
Protein change: p.Gly576Ter; replaces glycine 576 with a stop codon.
Molecular consequence: nonsense.
Genome position (GRCh38, 1-based): chr8:43,197,952, G>T. VCF-style: chr8-43197952-G-T. GRCh37 (hg19) VCF-style: chr8-43053095-G-T.
Other names: c.1726G>T (NM_152419.2); c.1813G>T, p.Gly605Ter (NM_001363227.2); c.1534G>T, p.Gly512Ter (NM_001363228.2); c.862G>T, p.Gly288Ter (NM_001363229.2); short protein forms G288*, G512*, G605*, G576*.
Identifiers: ClinVar variation 871844 (VCV000871844.42), dbSNP rs1366558211, ClinGen allele CA371120869.